The following is an entry in ClinVar:

ClinVar aggregate classification (germline): Uncertain significance. Review status: criteria provided, single submitter (1 of 4 stars). 2 submissions from 2 submitters: Uncertain significance (1). 1 of the submissions does not count toward it. Last evaluated 2024-08-26.

Conditions:
Lysinuric protein intolerance (LPI). Identifiers: Orphanet 470, MedGen C0268647, MONDO:0009109, OMIM 222700.

Allele frequency attached by ClinVar (database versions not stated): gnomAD exomes below 0.00001.

Submissions (2):

Women's Health and Genetics/Laboratory Corporation of America, LabCorp
Classification: Uncertain significance. Last evaluated: 2024-08-26. Review status: criteria provided, single submitter. Criteria: LabCorp Variant Classification Summary - May 2015. Collection method: clinical testing. Allele origin: germline.
Comment: Variant summary: SLC7A7 c.782T>C (p.Leu261Pro) results in a non-conservative amino acid change in the encoded protein sequence. Four of five in-silico tools predict a damaging effect of the variant on protein function. The variant allele was found at a frequency of 4e-06 in 251442 control chromosomes. The available data on variant occurrences in the general population are insufficient to allow any conclusion about variant significance. c.782T>C has been reported in the literature in at least one compound heterozygous individual affected with Lysinuric Protein Intolerance (e.g. Sperandeo_2008). These data do not currently allow any conclusion about variant significance. To our knowledge, no experimental evidence demonstrating an impact on protein function has been reported. The following publication has been ascertained in the context of this evaluation (PMID: 17764084). ClinVar contains an entry for this variant (Variation ID: 56378). Based on the evidence outlined above, the variant was classified as uncertain significance.

Juha Muilu Group; Institute for Molecular Medicine Finland (FIMM)
Classification: Likely pathogenic for Lysinuric protein intolerance. Review status: no assertion criteria provided. Collection method: not provided. Allele origin: unknown. Not counted in ClinVar's aggregate classification.
Comment: FinDis database variant: This variant was not found or characterized by our laboratory, data were collected from public sources: see reference
ClinVar note: Converted during submission from probable-pathogenic to Likely pathogenic.

Literature cited by the submitters: PubMed 17764084 (cited by Women's Health and Genetics/Laboratory Corporation of America, LabCorp).

NM_003982.4(SLC7A7):c.782T>C (p.Leu261Pro)

Gene: SLC7A7 (solute carrier family 7 member 7; minus strand). Cytogenetic location: 14q11.2.
Variant type: single nucleotide variant.
Coding change: c.782T>C on transcript NM_003982.4 (MANE Select); coding-DNA position 782, T replaced by C.
Protein change: p.Leu261Pro; replaces leucine 261 with proline.
Molecular consequence: missense variant.
Genome position (GRCh38, 1-based): chr14:22,776,307, A>G on the plus strand (T>C on the coding strand, the complement: SLC7A7 is on the minus strand). VCF-style: chr14-22776307-A-G. GRCh37 (hg19) VCF-style: chr14-23245516-A-G.
Other names: c.782T>C, p.Leu261Pro (NM_001126105.3, NM_001126106.4); short protein forms L261P.
Identifiers: ClinVar variation 56378 (VCV000056378.3), dbSNP rs386833825, ClinGen allele CA263848.